The following is an entry in ClinVar:

ClinVar aggregate classification (germline): Uncertain significance (1 of 4 stars; one submission).

Conditions:
Arrhythmogenic right ventricular dysplasia 9 (ARVD9). Also called: Arrhythmogenic Right Ventricular Dysplasia/Cardiomyopathy 9; ARRHYTHMOGENIC RIGHT VENTRICULAR DYSPLASIA, FAMILIAL, 9. Identifiers: MedGen C1836906, MONDO:0012180, OMIM 609040.

Submission:

Labcorp Genetics (formerly Invitae), Labcorp
Classification: Uncertain significance for Arrhythmogenic right ventricular dysplasia 9. Last evaluated: 2025-12-31. Review status: criteria provided, single submitter. Criteria: Invitae Variant Classification Sherloc (09022015). Collection method: clinical testing. Allele origin: germline.
Comment: This sequence change replaces glutamic acid, which is acidic and polar, with glycine, which is neutral and non-polar, at codon 335 of the PKP2 protein (p.Glu335Gly). This variant is not present in population databases (gnomAD no frequency). This variant has not been reported in the literature in individuals affected with PKP2-related conditions. An algorithm developed to predict the effect of missense changes on protein structure and function (PolyPhen-2) suggests that this variant is likely to be tolerated. In summary, the available evidence is currently insufficient to determine the role of this variant in disease. Therefore, it has been classified as a Variant of Uncertain Significance.

NM_001005242.3(PKP2):c.1004A>G (p.Glu335Gly)

Gene: PKP2 (plakophilin 2; minus strand). Cytogenetic location: 12p11.21.
Variant type: single nucleotide variant.
Coding change: c.1004A>G on transcript NM_001005242.3 (MANE Select); coding-DNA position 1004, A replaced by G.
Protein change: p.Glu335Gly; replaces glutamic acid 335 with glycine.
Molecular consequence: missense variant.
Genome position (GRCh38, 1-based): chr12:32,877,876, T>C on the plus strand (A>G on the coding strand, the complement: PKP2 is on the minus strand). VCF-style: chr12-32877876-T-C. GRCh37 (hg19) VCF-style: chr12-33030810-T-C.
Other names: c.1004A>G, p.Glu335Gly (NM_001407155.1, NM_001407156.1, NM_001407157.1 and 2 more transcripts); c.677A>G, p.Glu226Gly (NM_001407158.1, NM_001407159.1, NM_001407160.1 and 1 more transcripts); short protein forms E226G, E335G.
Identifiers: ClinVar variation 4750703 (VCV004750703.1).